The following is an entry in ClinVar:

ClinVar aggregate classification (germline): Uncertain significance (1 of 4 stars; one submission).

Conditions:
Early-infantile DEE. Also called: Early infantile epileptic encephalopathy; Ohtahara syndrome; Early infantile epileptic encephalopathy with suppression bursts. Identifiers: Orphanet 1934, MedGen C0393706, MONDO:0800491.

Allele frequency attached by ClinVar (database versions not stated): TOPMed 0.00001; gnomAD exomes 0.00001.
gnomAD v4.1: 5 of 1,614,164 alleles (0.00031%); highest among the groups gnomAD compares: African/African-American, 0.0013%; no homozygotes.

Submission:

Labcorp Genetics (formerly Invitae), Labcorp
Classification: Uncertain significance for Early-infantile DEE. Last evaluated: 2023-03-02. Review status: criteria provided, single submitter. Criteria: Invitae Variant Classification Sherloc (09022015). Collection method: clinical testing. Allele origin: germline.
Comment: In summary, the available evidence is currently insufficient to determine the role of this variant in disease. Therefore, it has been classified as a Variant of Uncertain Significance. Advanced modeling of protein sequence and biophysical properties (such as structural, functional, and spatial information, amino acid conservation, physicochemical variation, residue mobility, and thermodynamic stability) has been performed at Invitae for this missense variant, however the output from this modeling did not meet the statistical confidence thresholds required to predict the impact of this variant on SPTAN1 protein function. ClinVar contains an entry for this variant (Variation ID: 2132229). This variant has not been reported in the literature in individuals affected with SPTAN1-related conditions. This variant is not present in population databases (gnomAD no frequency). This sequence change replaces isoleucine, which is neutral and non-polar, with threonine, which is neutral and polar, at codon 1712 of the SPTAN1 protein (p.Ile1712Thr).

NM_001130438.3(SPTAN1):c.5135T>C (p.Ile1712Thr)

Gene: SPTAN1 (spectrin alpha, non-erythrocytic 1; plus strand). Cytogenetic location: 9q34.11.
Variant type: single nucleotide variant.
Coding change: c.5135T>C on transcript NM_001130438.3 (MANE Select); coding-DNA position 5135, T replaced by C.
Protein change: p.Ile1712Thr; replaces isoleucine 1712 with threonine.
Molecular consequence: missense variant.
Genome position (GRCh38, 1-based): chr9:128,613,472, T>C. VCF-style: chr9-128613472-T-C. GRCh37 (hg19) VCF-style: chr9-131375751-T-C.
Other names: c.5060T>C, p.Ile1687Thr (NM_001195532.2); c.5135T>C, p.Ile1712Thr (NM_001363759.2, NM_001375310.1, NM_001375311.2 and 1 more transcripts); c.5075T>C, p.Ile1692Thr (NM_001363765.2, NM_001375314.2); c.5171T>C, p.Ile1724Thr (NM_001375312.2, NM_001375318.1); c.5120T>C, p.Ile1707Thr (NM_003127.4); short protein forms I1707T, I1687T, I1712T, I1692T, I1724T.
Identifiers: ClinVar variation 2132229 (VCV002132229.4), dbSNP rs1485055980, ClinGen allele CA375072962.